The following is an entry in ClinVar:

ClinVar aggregate classification (germline): Pathogenic (1 of 4 stars; one submission).

Conditions:
Aicardi-Goutieres syndrome 5. Identifiers: Orphanet 51, MedGen C2749659, MONDO:0013059, OMIM 612952.

Submission:

Labcorp Genetics (formerly Invitae), Labcorp
Classification: Pathogenic for Aicardi-Goutieres syndrome 5. Last evaluated: 2019-06-04. Review status: criteria provided, single submitter. Criteria: Invitae Variant Classification Sherloc (09022015). Collection method: clinical testing. Allele origin: germline.
Comment: This sequence change creates a premature translational stop signal (p.Trp313*) in the SAMHD1 gene. It is expected to result in an absent or disrupted protein product. For these reasons, this variant has been classified as Pathogenic. Loss-of-function variants in SAMHD1 are known to be pathogenic (PMID: 19525956, 22461318). This variant has not been reported in the literature in individuals with SAMHD1-related conditions. This variant is not present in population databases (ExAC no frequency).

Literature cited by the submitters: PubMed 19525956; PubMed 22461318.

NM_015474.4(SAMHD1):c.939G>A (p.Trp313Ter)

Gene: SAMHD1 (SAM and HD domain containing deoxynucleoside triphosphate triphosphohydrolase 1; minus strand). Cytogenetic location: 20q11.23.
Variant type: single nucleotide variant.
Coding change: c.939G>A on transcript NM_015474.4 (MANE Select); coding-DNA position 939, G replaced by A.
Protein change: p.Trp313Ter; replaces tryptophan 313 with a stop codon.
Molecular consequence: nonsense.
Genome position (GRCh38, 1-based): chr20:36,916,963, C>T on the plus strand (G>A on the coding strand, the complement: SAMHD1 is on the minus strand). VCF-style: chr20-36916963-C-T. GRCh37 (hg19) VCF-style: chr20-35545366-C-T.
Other names: c.939G>A, p.Trp313Ter (NM_001363729.2, NM_001363733.2); short protein forms W313*.
Identifiers: ClinVar variation 840434 (VCV000840434.7), dbSNP rs2063480012, ClinGen allele CA408845426.